The following is an entry in ClinVar:

NM_002016.2(FLG):c.7339C>T (p.Arg2447Ter)

Genes: CCDST (cervical cancer associated DHX9 suppressive transcript; plus strand), FLG (filaggrin; minus strand). Cytogenetic location: 1q21.3.
Variant type: single nucleotide variant.
Coding change: c.7339C>T on transcript NM_002016.2 (MANE Select); coding-DNA position 7339, C replaced by T.
Protein change: p.Arg2447Ter; replaces arginine 2447 with a stop codon.
Molecular consequence: nonsense.
Genome position (GRCh38, 1-based): chr1:152,307,547, G>A on the plus strand (C>T on the coding strand, the complement: FLG is on the minus strand). VCF-style: chr1-152307547-G-A. GRCh37 (hg19) VCF-style: chr1-152280023-G-A.
Other names: short protein forms R2447*.
Identifiers: ClinVar variation 50932 (VCV000050932.85), dbSNP rs138726443, ClinGen allele CA1104778.

ClinVar aggregate classification (germline): Pathogenic/Likely pathogenic. Review status: criteria provided, multiple submitters, no conflicts (2 of 4 stars). 40 submissions from 39 submitters: Pathogenic (32); Likely pathogenic (3). 5 of the submissions do not count toward it. Last evaluated 2026-07-03.

Conditions:
Dermatitis, atopic. Identifiers: MedGen C1864155, OMIM 603165, MONDO:0011292.
Ichthyosis and erythrokeratoderma.
FLG-related disorder. Also called: FLG-related disorders; FLG-related condition.
Inborn genetic diseases. Identifiers: MedGen C0950123, MeSH D030342.
Ichthyosis vulgaris. Also called: ICHTHYOSIS SIMPLEX; Dominant ichthyosis vulgaris. Identifiers: MedGen C0079584, MONDO:0024304, OMIM 146700.
Dermatitis, atopic, 2. Identifiers: MedGen C1853965, MONDO:0011596, OMIM 605803.

Allele frequency attached by ClinVar (database versions not stated): TOPMed 0.00288; ESP Exome Variant Server 0.00338; 1000 Genomes Project 0.00100; 1000 Genomes Project 30x 0.00141.
gnomAD v4.1: 6,276 of 1,613,514 alleles (0.39%); highest among the groups gnomAD compares: Non-Finnish European, 0.45%; 15 homozygotes.

Submissions 1 to 17 of 40:

Clinical Genetics Laboratory, Skane University Hospital Lund
Classification: Pathogenic for Ichthyosis vulgaris. Last evaluated: 2026-07-03. Review status: criteria provided, single submitter. Criteria: ACMG Guidelines, 2015. Collection method: clinical testing. Allele origin: germline. Affected: yes.
Comment: FLG (NM_002016.2) c.7339C>T, p.(Arg2447)* represents a nucleotide substitution in exon 3 of 3, resulting in a premature stop codon and consequently a truncated protein or loss of protein expression from the affected allele. The FLG (NM_002016.2) c.7339C>T variant has previously been identified in the general population and has been reported in the literature (see ClinVar for references). The variant has been classified as pathogenic according to the ACMG criteria PVS1 and PM3_Strong.

Greenwood Genetic Center Diagnostic Laboratories, Greenwood Genetic Center
Classification: Pathogenic for Ichthyosis vulgaris. Last evaluated: 2026-06-30. Review status: criteria provided, single submitter. Criteria: ACMG Guidelines, 2015. Collection method: clinical testing. Allele origin: germline. Affected: yes.
Comment: PVS1, PS4

Institute of Human Genetics, University of Leipzig Medical Center
Classification: Pathogenic for Ichthyosis vulgaris. Last evaluated: 2026-05-11. Review status: criteria provided, single submitter. Criteria: ACMG Guidelines, 2015. Collection method: clinical testing. Allele origin: unknown. Inheritance: Autosomal dominant inheritance. Affected: yes.
Comment: Criteria applied: PVS1,PM3_VSTR,PP4

Women's Health and Genetics/Laboratory Corporation of America, LabCorp
Classification: Pathogenic for Ichthyosis vulgaris. Last evaluated: 2026-01-28. Review status: criteria provided, single submitter. Criteria: LabCorp Variant Classification Summary - May 2015. Collection method: clinical testing. Allele origin: germline.
Comment: Variant summary: FLG c.7339C>T (p.Arg2447X) results in a premature termination codon, predicted to cause a truncation of the encoded protein. Although, nonsense mediated decay is not predicted, pathogenic variants have been observed downstream. The variant allele was found at a frequency of 0.0028 in 251408 control chromosomes in the gnomAD database, including 1 homozygotes. The observed variant frequency exceeds the estimated maximal expected allele frequency for disease-causing variants in FLG. c.7339C>T has been observed in multiple individuals affected with Ichthyosis Vulgaris and atopic dermatitis (e.g. Sandilands_2007). These data indicate that the variant is very likely to be associated with disease. To our knowledge, no experimental evidence demonstrating an impact on protein function has been reported. The following publication have been ascertained in the context of this evaluation (PMID: 17417636). ClinVar contains an entry for this variant (Variation ID: 50932). Based on the evidence outlined above, the variant was classified as pathogenic.

Genetics Laboratory, Great Ormond Street Hospital NHS Foundation Trust, North Thames Genomic Laboratory Hub
Classification: Pathogenic for Ichthyosis and erythrokeratoderma. Last evaluated: 2026-01-21. Review status: criteria provided, single submitter. Criteria: ACGS Best Practice Guidelines for Variant Classification in Rare Disease 2024 v1.2. Collection method: clinical testing. Allele origin: germline. Affected: yes.
Comment: PVS1_strong, PM3_very-strong

Institute of Immunology and Genetics Kaiserslautern
Classification: Pathogenic for Dermatitis, atopic, 2. Last evaluated: 2025-12-11. Review status: criteria provided, single submitter. Criteria: ACMG Guidelines, 2015. Collection method: clinical testing. Allele origin: germline. Affected: yes.
Comment: ACMG Criteria: PVS1, PS4 ; Variant was found in heterozygous state.

Ambry Genetics
Classification: Pathogenic for Inborn genetic diseases. Last evaluated: 2025-11-05. Review status: criteria provided, single submitter. Criteria: Ambry Variant Classification Scheme 2023. Collection method: clinical testing. Allele origin: germline.
Comment: The c.7339C>T (p.R2447*) alteration, located in exon 3 (coding exon 2) of the FLG gene, consists of a C to T substitution at nucleotide position 7339. This changes the amino acid from a arginine (R) to a stop codon at amino acid position 2447. This variant is not expected to trigger nonsense-mediated mRNA decay, and impacts the last 35% of the protein. However, premature stop codons are typically deleterious in nature, the impacted region is critical for protein function, and a significant portion of the protein is affected (Ambry internal data). Based on data from gnomAD, the T allele has an overall frequency of 0.288% (814/282684) total alleles studied. The highest observed frequency was 0.649% (163/25122) of European (Finnish) alleles. This variant has been identified in the homozygous state and/or in conjunction with other FLG variant(s) in individual(s) with features consistent with FLG-related ichthyosis vulgaris; in at least one instance, the variants were identified in trans (Sandilands, 2007). Based on the available evidence, this alteration is classified as pathogenic.

3billion
Classification: Pathogenic for Ichthyosis vulgaris. Last evaluated: 2025-09-21. Review status: criteria provided, single submitter. Criteria: ACMG Guidelines, 2015. Collection method: clinical testing. Allele origin: germline. Affected: yes.
Comment: The variant is observed at an extremely low frequency in the gnomAD v4.1.0 dataset (total allele frequency: 0.389%). Predicted Consequence/Location: Stop-gained (nonsense): predicted to result in a loss or disruption of normal protein function through protein truncation. The predicted truncated protein may be shortened by more than 10%. The variant has been reported at least twice as pathogenic with clinical assertions and evidence for the classification (ClinVar ID: VCV000050932 /PMID: 17417636 /3billion dataset). Therefore, this variant is classified as Pathogenic according to the recommendation of ACMG/AMP guideline.

Dasa
Classification: Pathogenic. Last evaluated: 2025-09-05. Review status: criteria provided, single submitter. Criteria: DASA Assertion Criteria. Collection method: clinical testing. Allele origin: germline.
Comment: NM_002016.2(FLG):c.7339C>T (p.Arg2447Ter) introduces a premature termination codon predicted to result in loss of normal protein function. Loss-of-function is an established mechanism of disease for this gene. The variant is present at low frequency in population datasets. Based on the available data, this variant is classified as pathogenic.

Revvity Omics, Revvity
Classification: Pathogenic for Ichthyosis vulgaris. Last evaluated: 2025-03-14. Review status: criteria provided, single submitter. Criteria: ACMG Guidelines, 2015. Collection method: clinical testing. Allele origin: germline.

Center for Genomic Medicine, Rigshospitalet, Copenhagen University Hospital
Classification: Likely pathogenic. Last evaluated: 2025-03-04. Review status: criteria provided, single submitter. Criteria: ACMG Guidelines, 2015. Collection method: clinical testing. Allele origin: germline.

Laboratory of Genetics, Children's Clinical University Hospital Latvia
Classification: Pathogenic. Last evaluated: 2025-02-16. Review status: criteria provided, single submitter. Criteria: ACMG Guidelines, 2015. Collection method: clinical testing. Allele origin: germline. Affected: yes.

CeGaT Center for Human Genetics Tuebingen
Classification: Pathogenic. Last evaluated: 2025-01-01. Review status: criteria provided, single submitter. Criteria: CeGaT Center For Human Genetics Tuebingen Variant Classification Criteria Version 2. Collection method: clinical testing. Allele origin: germline. Affected: yes. Observed: 11 variant alleles.
Comment: FLG: PM3:Very Strong, PVS1:Strong, PM2:Supporting

Blueprint Genetics
Classification: Pathogenic for FLG-related disorders. Last evaluated: 2024-10-17. Review status: criteria provided, single submitter. Criteria: ACMG Guidelines, 2015. Collection method: clinical testing. Allele origin: germline. Affected: yes. Observed: 5 variant alleles.

Genomic Medicine Center of Excellence, King Faisal Specialist Hospital and Research Centre
Classification: Pathogenic for Dermatitis, atopic, 2. Last evaluated: 2024-03-25. Review status: criteria provided, single submitter. Criteria: ACMG Guidelines, 2015. Collection method: clinical testing. Allele origin: germline.

Centre for Clinical Genetics and Genomic Diagnostics, Zealand University Hospital
Classification: Likely pathogenic. Last evaluated: 2024-02-02. Review status: criteria provided, single submitter. Criteria: ACMG Guidelines, 2015. Collection method: clinical testing. Allele origin: germline. Affected: yes.

Baylor Genetics
Classification: Pathogenic for Ichthyosis vulgaris. Last evaluated: 2024-01-13. Review status: criteria provided, single submitter. Criteria: ACMG Guidelines, 2015. Collection method: clinical testing. Allele origin: unknown.